The following is an entry in ClinVar:

NM_001458.5(FLNC):c.7251+1G>T

Genes: FLNC (filamin C; plus strand), FLNC-AS1 (FLNC antisense RNA 1; minus strand). Cytogenetic location: 7q32.1.
Variant type: single nucleotide variant.
Coding change: c.7251+1G>T on transcript NM_001458.5 (MANE Select); the canonical splice donor site of the intron after coding-DNA position 7251, G replaced by T.
Molecular consequence: splice donor variant.
Genome position (GRCh38, 1-based): chr7:128,855,315, G>T. VCF-style: chr7-128855315-G-T. GRCh37 (hg19) VCF-style: chr7-128495369-G-T.
Other names: c.7152+1G>T (NM_001127487.2).
Identifiers: ClinVar variation 859630 (VCV000859630.10), dbSNP rs1554401581, ClinGen allele CA369216140.
Genomic context (GRCh38, chr7:128,855,315, plus strand): 5'-GTGGTGCCTGTGGCCTCCCTCTCGGATGACGCTCGCCGTCTCACTGTCACCAGCCTCCAG[G>T]TTTGTGCCCAGGGTGGGGGTGGAGGGTTTCTGCTATCTGAGAGATGGGCAGGAGTTGAGG-3'

ClinVar aggregate classification (germline): Pathogenic (1 of 4 stars; one submission).

Conditions:
Myofibrillar myopathy 5. Also called: FILAMINOPATHY, AUTOSOMAL DOMINANT; Filaminopathy (type). Identifiers: Orphanet 171445, MedGen C1836050, MONDO:0012289, OMIM 609524.
Distal myopathy with posterior leg and anterior hand involvement. Also called: WILLIAMS DISTAL MYOPATHY. Identifiers: Orphanet 63273, MedGen C3279722, MONDO:0013550, OMIM 614065.
Hypertrophic cardiomyopathy 26. Also called: Cardiomyopathy, familial hypertrophic, 26. Identifiers: Orphanet 75249, MedGen C4310749, MONDO:0014883, OMIM 617047.

Allele frequency attached by ClinVar (database versions not stated): gnomAD exomes below 0.00001.
gnomAD v4.1: 1 of 1,603,406 alleles (0.000062%); no homozygotes.

Submission:

Labcorp Genetics (formerly Invitae), Labcorp
Classification: Pathogenic for Distal myopathy with posterior leg and anterior hand involvement; Myofibrillar myopathy 5; Hypertrophic cardiomyopathy 26. Last evaluated: 2025-12-13. Review status: criteria provided, single submitter. Criteria: Invitae Variant Classification Sherloc (09022015). Collection method: clinical testing. Allele origin: germline.
Comment: This sequence change affects a donor splice site in intron 43 of the FLNC gene. RNA analysis indicates that disruption of this splice site induces altered splicing and may result in an absent or altered protein product. This variant is not present in population databases (gnomAD no frequency). Disruption of this splice site has been observed in individuals with dilated cardiomyopathy (PMID: 27908349, 28008423). ClinVar contains an entry for this variant (Variation ID: 859630). Studies have shown that disruption of this splice site results in skipping of exon 43, and produces a non-functional protein and/or introduces a premature termination codon (PMID: 28008423). For these reasons, this variant has been classified as Pathogenic.

Literature cited by the submitters: PubMed 27908349; PubMed 28008423.